The following is an entry in ClinVar:

NM_015338.6(ASXL1):c.848A>T (p.Gln283Leu)

Gene: ASXL1 (ASXL transcriptional regulator 1; plus strand). Cytogenetic location: 20q11.21.
Variant type: single nucleotide variant.
Coding change: c.848A>T on transcript NM_015338.6 (MANE Select); coding-DNA position 848, A replaced by T.
Protein change: p.Gln283Leu; replaces glutamine 283 with leucine.
Molecular consequence: missense variant.
Genome position (GRCh38, 1-based): chr20:32,431,450, A>T. VCF-style: chr20-32431450-A-T. GRCh37 (hg19) VCF-style: chr20-31019253-A-T.
Other names: c.665A>T, p.Gln222Leu (NM_001363734.1); short protein forms Q222L, Q283L.
Identifiers: ClinVar variation 4864976 (VCV004864976.1).
Genomic context (GRCh38, chr20:32,431,450, plus strand): 5'-ACCTCCGTGCCCTGATCAACTCTCGGACCTTCCATGCCTTACCATCACACTTCCAGCAGC[A>T]GCTCCTCTTCCTCCTGCCTGAAGTAGACAGACAGGTGCACATGGGCAGCCTCCCCTTTGC-3'
Protein context (NP_056153.2, residues 273-293): FHALPSHFQQ[Gln283Leu]LLFLLPEVDR

ClinVar aggregate classification (germline): Uncertain significance (1 of 4 stars; one submission).

Conditions:
Inborn genetic diseases. Identifiers: MedGen C0950123, MeSH D030342.

Submission:

Ambry Genetics
Classification: Uncertain significance for Inborn genetic diseases. Last evaluated: 2026-06-09. Review status: criteria provided, single submitter. Criteria: Ambry Variant Classification Scheme 2023. Collection method: clinical testing. Allele origin: germline.
Comment: The p.Q283L variant (also known as c.848A>T), located in coding exon 9 of the ASXL1 gene, results from an A to T substitution at nucleotide position 848. The glutamine at codon 283 is replaced by leucine, an amino acid with dissimilar properties. This amino acid position is conserved. In addition, this alteration is predicted to be tolerated by in silico analysis. Based on the available evidence, the clinical significance of this variant remains unclear.